The following is an entry in ClinVar:

NM_001375524.1(TRRAP):c.11518G>T (p.Ala3840Ser)

Gene: TRRAP (transformation/transcription domain associated protein; plus strand). Cytogenetic location: 7q22.1.
Variant type: single nucleotide variant.
Coding change: c.11518G>T on transcript NM_001375524.1 (MANE Select); coding-DNA position 11518, G replaced by T.
Protein change: p.Ala3840Ser; replaces alanine 3840 with serine.
Molecular consequence: missense variant.
Genome position (GRCh38, 1-based): chr7:99,012,251, G>T. VCF-style: chr7-99012251-G-T. GRCh37 (hg19) VCF-style: chr7-98609874-G-T.
Other names: c.11476G>T (NM_001244580.1); c.11476G>T, p.Ala3826Ser (NM_001244580.2); c.11389G>T, p.Ala3797Ser (NM_003496.4); short protein forms A3826S, A3797S, A3840S.
Identifiers: ClinVar variation 3008061 (VCV003008061.4), dbSNP rs1390624648, ClinGen allele CA368344881.
Genomic context (GRCh38, chr7:99,012,251, plus strand): 5'-CAACTGGTGTCCCTGGTTCAGAAAGCCGTCACCGCCATCATGACCCGCCTGCACAACCTC[G>T]CCCAGTTCGAAGGCGGGGAAAGCAAGGTGAACACCCTGGTGGCCGCGGCAAACAGCCTGG-3'
Protein context (NP_001362453.1, residues 3830-3850): TAIMTRLHNL[Ala3840Ser]QFEGGESKVN

ClinVar aggregate classification (germline): Uncertain significance. Review status: criteria provided, multiple submitters, no conflicts (2 of 4 stars). 2 submissions from 2 submitters: Uncertain significance (2). Last evaluated 2024-07-30.

Conditions:
Inborn genetic diseases. Identifiers: MedGen C0950123, MeSH D030342.

Allele frequency attached by ClinVar (database versions not stated): TOPMed below 0.00001.
gnomAD v4.1: 2 of 1,614,002 alleles (0.00012%); highest among the groups gnomAD compares: Admixed American, 0.0017%; no homozygotes.

Submissions (2):

Ambry Genetics
Classification: Uncertain significance for Inborn genetic diseases. Last evaluated: 2024-07-30. Review status: criteria provided, single submitter. Criteria: Ambry Variant Classification Scheme 2023. Collection method: clinical testing. Allele origin: germline.

Labcorp Genetics (formerly Invitae), Labcorp
Classification: Uncertain significance. Last evaluated: 2023-06-15. Review status: criteria provided, single submitter. Criteria: Invitae Variant Classification Sherloc (09022015). Collection method: clinical testing. Allele origin: germline.
Comment: In summary, the available evidence is currently insufficient to determine the role of this variant in disease. Therefore, it has been classified as a Variant of Uncertain Significance. Advanced modeling of protein sequence and biophysical properties (such as structural, functional, and spatial information, amino acid conservation, physicochemical variation, residue mobility, and thermodynamic stability) performed at Invitae indicates that this missense variant is not expected to disrupt TRRAP protein function. This variant has not been reported in the literature in individuals affected with TRRAP-related conditions. The frequency data for this variant in the population databases is considered unreliable, as metrics indicate poor data quality at this position in the gnomAD database. This sequence change replaces alanine, which is neutral and non-polar, with serine, which is neutral and polar, at codon 3797 of the TRRAP protein (p.Ala3797Ser).